The following is an entry in ClinVar:

NM_007294.4(BRCA1):c.3422A>C (p.His1141Pro)

Genes: BRCA1 (BRCA1 DNA repair associated; minus strand), LOC126862571 (BRD4-independent group 4 enhancer GRCh37_chr17:41243136-41244335; plus strand). Cytogenetic location: 17q21.31.
Variant type: single nucleotide variant.
Coding change: c.3422A>C on transcript NM_007294.4 (MANE Select); coding-DNA position 3422, A replaced by C.
Protein change: p.His1141Pro; replaces histidine 1141 with proline.
Molecular consequence: missense variant. On other transcripts: intron variant (135).
Genome position (GRCh38, 1-based): chr17:43,092,109, T>G on the plus strand (A>C on the coding strand, the complement: BRCA1 is on the minus strand). VCF-style: chr17-43092109-T-G. GRCh37 (hg19) VCF-style: chr17-41244126-T-G.
Other names: c.3344A>C, p.His1115Pro (NM_001407657.1, NM_001407658.1, NM_001407653.1 and 4 more transcripts); c.3341A>C, p.His1114Pro (NM_001407660.1, NM_001407659.1, NM_001407661.1 and 1 more transcripts); c.3299A>C, p.His1100Pro (NM_001407648.1, NM_001407664.1, NM_001407665.1 and 19 more transcripts); c.3296A>C, p.His1099Pro (NM_001407649.1, NM_001407670.1, NM_001407671.1 and 11 more transcripts); c.3422A>C, p.His1141Pro (NM_001407652.1, NM_001407581.1, NM_001407585.1 and 30 more transcripts); c.3209A>C, p.His1070Pro (NM_001407571.1, NM_001407853.1, NM_001407894.1 and 9 more transcripts); c.788-1077A>C (NM_001407990.1, NM_007299.4, NM_001407974.1 and 17 more transcripts); c.578-1077A>C (NM_001408492.1, NM_001408513.1, NM_001408489.1 and 9 more transcripts); and 41 more; short protein forms H1029P, H1053P, H1070P, H1073P, H1093P, H1094P, H273P, H845P.
Identifiers: ClinVar variation 1731281 (VCV001731281.5), dbSNP rs2154317385, ClinGen allele CA10595136.

ClinVar aggregate classification (germline): Conflicting classifications of pathogenicity. Review status: criteria provided, conflicting classifications (1 of 4 stars). 3 submissions from 3 submitters: Uncertain significance (2); Likely benign (1). Last evaluated 2024-04-16.

Conditions:
Hereditary cancer-predisposing syndrome. Also called: Neoplastic Syndromes, Hereditary; Tumor predisposition; Hereditary Cancer Syndrome; Hereditary neoplastic syndrome. Identifiers: Orphanet 140162, MedGen C0027672, MeSH D009386, MONDO:0015356.
BRCA1-related cancer predisposition. Identifiers: MedGen CN377757, MONDO:0700268.

Submissions (3):

All of Us Research Program, National Institutes of Health
Classification: Uncertain significance for BRCA1-related cancer predisposition. Last evaluated: 2024-04-16. Review status: criteria provided, single submitter. Criteria: ACMG Guidelines, 2015. Collection method: clinical testing. Allele origin: germline. Inheritance: Autosomal dominant inheritance. Observed: 1 variant allele, 1 heterozygote.
Comment: This missense variant replaces histidine with proline at codon 1141 of the BRCA1 protein. Computational prediction suggests that this variant may not impact protein structure and function. To our knowledge, functional studies have not been reported for this variant. This variant has not been reported in individuals affected with BRCA1-related disorders in the literature. This variant has not been identified in the general population by the Genome Aggregation Database (gnomAD). The available evidence is insufficient to determine the role of this variant in disease conclusively. Therefore, this variant is classified as a Variant of Uncertain Significance.

This study involves interpretation of variants in research participants for the purpose of population health screening. Participant phenotype was not available at the time of variant classification. Additional details can be found in publication PMID: 35346344, PMCID: PMC8962531

University of Washington Department of Laboratory Medicine, University of Washington
Classification: Likely benign for Hereditary cancer-predisposing syndrome. Last evaluated: 2023-03-23. Review status: criteria provided, single submitter. Criteria: Dines et al. (Genet Med. 2020). Collection method: curation. Allele origin: germline.
Comment: Missense variant in a coldspot region where missense variants are very unlikely to be pathogenic (PMID:31911673).

BRCA1 coldspot (exon 11 using historical exon numbering). Reclassification based on statistical prior probability

Ambry Genetics
Classification: Uncertain significance for Hereditary cancer-predisposing syndrome. Last evaluated: 2020-09-30. Review status: criteria provided, single submitter. Criteria: Ambry Variant Classification Scheme 2023. Collection method: clinical testing. Allele origin: germline.
Comment: The p.H1141P variant (also known as c.3422A>C), located in coding exon 9 of the BRCA1 gene, results from an A to C substitution at nucleotide position 3422. The histidine at codon 1141 is replaced by proline, an amino acid with similar properties. This amino acid position is not well conserved in available vertebrate species, and proline is the reference amino acid in other vertebrate species. In addition, this alteration is predicted to be tolerated by in silico analysis. Since supporting evidence is limited at this time, the clinical significance of this alteration remains unclear.